The following is an entry in ClinVar:

NM_206933.4(USH2A):c.6134A>G (p.His2045Arg)

Gene: USH2A (usherin; minus strand). Cytogenetic location: 1q41.
Variant type: single nucleotide variant.
Coding change: c.6134A>G on transcript NM_206933.4 (MANE Select); coding-DNA position 6134, A replaced by G.
Protein change: p.His2045Arg; replaces histidine 2045 with arginine.
Molecular consequence: missense variant.
Genome position (GRCh38, 1-based): chr1:216,048,563, T>C on the plus strand (A>G on the coding strand, the complement: USH2A is on the minus strand). VCF-style: chr1-216048563-T-C. GRCh37 (hg19) VCF-style: chr1-216221905-T-C.
Other names: short protein forms H2045R.
Identifiers: ClinVar variation 48553 (VCV000048553.20), dbSNP rs111033514, ClinGen allele CA143546.
Genomic context (GRCh38, chr1:216,048,563, plus strand): 5'-GTGGAAGTCAAGACCTTTGAAATTACTTTACCTTCTTGTGGAGTAGAGATGTTCAATGCA[T>C]GTGAGCTCTCAGTACAGCCAGCCAAAGTGCAAGCAGTTAGGGTTACTGCATAGTTTTTGA-3'
Protein context (NP_996816.3, residues 2035-2055): CTLAGCTESS[His2045Arg]ALNISTPQEA

ClinVar aggregate classification (germline): Conflicting classifications of pathogenicity. Review status: criteria provided, conflicting classifications (1 of 4 stars). 9 submissions from 9 submitters: Uncertain significance (3); Likely benign (1). 5 of the submissions do not count toward it. Last evaluated 2024-10-21.

Conditions:
Usher syndrome type 2A. Also called: RETINAL DISEASE IN USHER SYNDROME TYPE IIA, MODIFIER OF; USHER SYNDROME, TYPE IIA. Identifiers: Orphanet 231178, Orphanet 886, MedGen C1848634, MONDO:0010169, OMIM 276901.
Retinitis pigmentosa 39 (RP39). Identifiers: Orphanet 791, MedGen C3151138, MONDO:0013436, OMIM 613809.

Allele frequency attached by ClinVar (database versions not stated): gnomAD 0.00013; TOPMed 0.00013; ESP Exome Variant Server 0.00015.
gnomAD v4.1: 165 of 1,613,990 alleles (0.01%); highest among the groups gnomAD compares: Non-Finnish European, 0.013%; no homozygotes.

Submissions (9):

Labcorp Genetics (formerly Invitae), Labcorp
Classification: Uncertain significance. Last evaluated: 2024-10-21. Review status: criteria provided, single submitter. Criteria: Invitae Variant Classification Sherloc (09022015). Collection method: clinical testing. Allele origin: germline.
Comment: This sequence change replaces histidine, which is basic and polar, with arginine, which is basic and polar, at codon 2045 of the USH2A protein (p.His2045Arg). This variant is present in population databases (rs111033514, gnomAD 0.02%). This missense change has been observed in individual(s) with clinical features of Usher syndrome, type 2A (internal data). ClinVar contains an entry for this variant (Variation ID: 48553). Invitae Evidence Modeling of protein sequence and biophysical properties (such as structural, functional, and spatial information, amino acid conservation, physicochemical variation, residue mobility, and thermodynamic stability) indicates that this missense variant is not expected to disrupt USH2A protein function with a negative predictive value of 95%. In summary, the available evidence is currently insufficient to determine the role of this variant in disease. Therefore, it has been classified as a Variant of Uncertain Significance.

Blueprint Genetics
Classification: Uncertain significance. Last evaluated: 2024-06-17. Review status: criteria provided, single submitter. Criteria: ACMG Guidelines, 2015. Collection method: clinical testing. Allele origin: germline.

Laboratory for Molecular Medicine, Mass General Brigham Personalized Medicine
Classification: Likely benign. Last evaluated: 2017-05-02. Review status: criteria provided, single submitter. Criteria: LMM Criteria. Collection method: clinical testing. Allele origin: germline. Observed: 3 variant alleles.
Comment: p.His2045Arg in exon 31 of USH2A: This variant is not expected to have clinical significance because the histidine (His) at position 2045 is not conserved throu gh species, with 4 mammals (naked mole rat, David's myotis (bat), microbat, big brown bat) having an arginine (Arg) at this position. The variant has been repo rted in 16/126668 European chromosomes by the gnomAD population database (dbSNP rs111033514).

Eurofins Ntd Llc (ga)
Classification: Uncertain significance. Last evaluated: 2016-12-20. Review status: criteria provided, single submitter. Criteria: EGL Classification Definitions 2015. Collection method: clinical testing. Allele origin: germline. Observed: 1 variant allele, 1 heterozygote.

Natera, Inc.
Classification: Uncertain significance for Usher syndrome type 2A. Last evaluated: 2019-11-07. Review status: no assertion criteria provided. Collection method: clinical testing. Allele origin: germline. Not counted in ClinVar's aggregate classification.

Counsyl
Classification: Uncertain significance for Usher syndrome type 2A; Retinitis pigmentosa 39. Last evaluated: 2016-12-27. Review status: no assertion criteria provided. Collection method: clinical testing. Allele origin: unknown. Not counted in ClinVar's aggregate classification.

Clinical Genetics DNA and cytogenetics Diagnostics Lab, Erasmus MC, Erasmus Medical Center
Classification: Likely benign. Review status: no assertion criteria provided. Collection method: clinical testing. Allele origin: germline. Affected: yes. Study: VKGL Data-share Consensus. Not counted in ClinVar's aggregate classification.

Clinical Genetics, Academic Medical Center
Classification: Likely benign. Review status: no assertion criteria provided. Collection method: clinical testing. Allele origin: germline. Affected: yes. Study: VKGL Data-share Consensus. Not counted in ClinVar's aggregate classification.

Joint Genome Diagnostic Labs from Nijmegen and Maastricht, Radboudumc and MUMC+
Classification: Likely benign. Review status: no assertion criteria provided. Collection method: clinical testing. Allele origin: germline. Affected: yes. Study: VKGL Data-share Consensus. Not counted in ClinVar's aggregate classification.